The following is an entry in ClinVar:

NM_002691.4(POLD1):c.971-6T>C

Gene: POLD1 (DNA polymerase delta 1, catalytic subunit; plus strand). Cytogenetic location: 19q13.33.
Variant type: single nucleotide variant.
Coding change: c.971-6T>C on transcript NM_002691.4 (MANE Select); 6 bases into the intron before coding-DNA position 971, T replaced by C.
Molecular consequence: intron variant.
Genome position (GRCh38, 1-based): chr19:50,403,047, T>C. VCF-style: chr19-50403047-T-C. GRCh37 (hg19) VCF-style: chr19-50906304-T-C.
Other names: c.971-6T>C (NM_001308632.1, NM_001256849.1).
Identifiers: ClinVar variation 3904184 (VCV003904184.1).

ClinVar aggregate classification (germline): Likely benign (1 of 4 stars; one submission).

Conditions:
POLD1-related polyposis and colorectal cancer syndrome (CRCS10). Also called: Colorectal cancer 10; COLORECTAL CANCER, SUSCEPTIBILITY TO, ON CHROMOSOME 19q; Colorectal cancer, susceptibility to, 10. Identifiers: Orphanet 220460, MedGen C2675481, MONDO:0012953, OMIM 612591.

Submission:

Myriad Genetics, Inc.
Classification: Likely benign for POLD1-related polyposis and colorectal cancer syndrome. Last evaluated: 2025-02-05. Review status: criteria provided, single submitter. Criteria: Myriad Autosomal Dominant, Autosomal Recessive and X-Linked Classification Criteria (2023). Collection method: clinical testing. Allele origin: unknown.
Comment: This variant is considered likely benign. This variant is intronic and is not expected to impact mRNA splicing.